The following is an entry in ClinVar:

ClinVar aggregate classification (germline): Uncertain significance (1 of 4 stars; one submission).

Conditions:
Progressive microcephaly-seizures-cortical blindness-developmental delay syndrome. Also called: Seizures, cortical blindness, and microcephaly syndrome. Identifiers: Orphanet 477814, MedGen C5567650, MONDO:0014714, OMIM 616632.
Autosomal dominant nonsyndromic hearing loss 1. Also called: KONIGSMARK SYNDROME; DEAFNESS, AUTOSOMAL DOMINANT 1, WITH OR WITHOUT THROMBOCYTOPENIA. Identifiers: Orphanet 90635, MedGen C1852282, MONDO:0007424, OMIM 124900.

Submission:

Labcorp Genetics (formerly Invitae), Labcorp
Classification: Uncertain significance for Progressive microcephaly-seizures-cortical blindness-developmental delay syndrome; Autosomal dominant nonsyndromic hearing loss 1. Last evaluated: 2025-05-06. Review status: criteria provided, single submitter. Criteria: Invitae Variant Classification Sherloc (09022015). Collection method: clinical testing. Allele origin: germline.
Comment: This sequence change replaces tyrosine, which is neutral and polar, with phenylalanine, which is neutral and non-polar, at codon 871 of the DIAPH1 protein (p.Tyr871Phe). This variant is not present in population databases (gnomAD no frequency). This variant has not been reported in the literature in individuals affected with DIAPH1-related conditions. ClinVar contains an entry for this variant (Variation ID: 2942091). An algorithm developed to predict the effect of missense changes on protein structure and function (PolyPhen-2) suggests that this variant is likely to be disruptive. In summary, the available evidence is currently insufficient to determine the role of this variant in disease. Therefore, it has been classified as a Variant of Uncertain Significance.

NM_005219.5(DIAPH1):c.2612A>T (p.Tyr871Phe)

Gene: DIAPH1 (diaphanous related formin 1; minus strand). Cytogenetic location: 5q31.3.
Variant type: single nucleotide variant.
Coding change: c.2612A>T on transcript NM_005219.5 (MANE Select); coding-DNA position 2612, A replaced by T.
Protein change: p.Tyr871Phe; replaces tyrosine 871 with phenylalanine.
Molecular consequence: missense variant.
Genome position (GRCh38, 1-based): chr5:141,529,667, T>A on the plus strand (A>T on the coding strand, the complement: DIAPH1 is on the minus strand). VCF-style: chr5-141529667-T-A. GRCh37 (hg19) VCF-style: chr5-140909234-T-A.
Other names: c.2585A>T, p.Tyr862Phe (NM_001079812.3); c.2612A>T, p.Tyr871Phe (NM_001314007.2); short protein forms Y862F, Y871F.
Identifiers: ClinVar variation 2942091 (VCV002942091.3), dbSNP rs56079950, ClinGen allele CA361586552.